The following is an entry in ClinVar:

ClinVar aggregate classification (germline): Uncertain significance (1 of 4 stars; one submission).

Conditions:
Immunodeficiency, common variable, 7. Identifiers: Orphanet 1572, Orphanet 696894, MedGen C3542922, MONDO:0013862, OMIM 614699.

Submission:

Labcorp Genetics (formerly Invitae), Labcorp
Classification: Uncertain significance for Immunodeficiency, common variable, 7. Last evaluated: 2023-08-17. Review status: criteria provided, single submitter. Criteria: Invitae Variant Classification Sherloc (09022015). Collection method: clinical testing. Allele origin: germline.
Comment: This variant is not present in population databases (gnomAD no frequency). This sequence change replaces lysine, which is basic and polar, with threonine, which is neutral and polar, at codon 988 of the CR2 protein (p.Lys988Thr). This variant has not been reported in the literature in individuals affected with CR2-related conditions. ClinVar contains an entry for this variant (Variation ID: 1973187). An algorithm developed to predict the effect of missense changes on protein structure and function (PolyPhen-2) suggests that this variant is likely to be disruptive. In summary, the available evidence is currently insufficient to determine the role of this variant in disease. Therefore, it has been classified as a Variant of Uncertain Significance.

NM_001006658.3(CR2):c.2963A>C (p.Lys988Thr)

Gene: CR2 (complement C3d receptor 2; plus strand). Cytogenetic location: 1q32.2.
Variant type: single nucleotide variant.
Coding change: c.2963A>C on transcript NM_001006658.3 (MANE Select); coding-DNA position 2963, A replaced by C.
Protein change: p.Lys988Thr; replaces lysine 988 with threonine.
Molecular consequence: missense variant.
Genome position (GRCh38, 1-based): chr1:207,477,945, A>C. VCF-style: chr1-207477945-A-C. GRCh37 (hg19) VCF-style: chr1-207651290-A-C.
Other names: c.2786A>C, p.Lys929Thr (NM_001877.5); short protein forms K929T, K988T.
Identifiers: ClinVar variation 1973187 (VCV001973187.5), dbSNP rs2527233439, ClinGen allele CA344541308.